The following is an entry in ClinVar:

ClinVar aggregate classification (germline): Pathogenic (1 of 4 stars; one submission).

Conditions:
Cone-rod dystrophy 6 (CORD6). Also called: RETINAL CONE DYSTROPHY 2; Cone dystrophy progressive. Identifiers: Orphanet 1872, MedGen C1866293, MONDO:0011143, OMIM 601777.
Leber congenital amaurosis 1 (LCA1). Also called: Congenital absence of the rods and cones; Leber's congenital tapetoretinal degeneration; Leber's congenital tapetoretinal dysplasia; RETINAL BLINDNESS, CONGENITAL; AMAUROSIS CONGENITA OF LEBER I. Identifiers: Orphanet 65, MedGen C2931258, MONDO:0008764, OMIM 204000.

Allele frequency attached by ClinVar (database versions not stated): TOPMed 0.00001.

Submission:

Labcorp Genetics (formerly Invitae), Labcorp
Classification: Pathogenic for Leber congenital amaurosis 1; Cone-rod dystrophy 6. Last evaluated: 2022-06-27. Review status: criteria provided, single submitter. Criteria: Invitae Variant Classification Sherloc (09022015). Collection method: clinical testing. Allele origin: germline.
Comment: For these reasons, this variant has been classified as Pathogenic. Algorithms developed to predict the effect of sequence changes on RNA splicing suggest that this variant may create or strengthen a splice site. ClinVar contains an entry for this variant (Variation ID: 1075556). This variant has not been reported in the literature in individuals affected with GUCY2D-related conditions. This variant is not present in population databases (gnomAD no frequency). This sequence change creates a premature translational stop signal (p.Tyr1035*) in the GUCY2D gene. It is expected to result in an absent or disrupted protein product. Loss-of-function variants in GUCY2D are known to be pathogenic (PMID: 10951519, 11328726).

Literature cited by the submitters: PubMed 10951519; PubMed 11328726.

NM_000180.4(GUCY2D):c.3105C>G (p.Tyr1035Ter)

Gene: GUCY2D (guanylate cyclase 2D, retinal; plus strand). Cytogenetic location: 17p13.1.
Variant type: single nucleotide variant.
Coding change: c.3105C>G on transcript NM_000180.4 (MANE Select); coding-DNA position 3105, C replaced by G.
Protein change: p.Tyr1035Ter; replaces tyrosine 1035 with a stop codon.
Molecular consequence: nonsense.
Genome position (GRCh38, 1-based): chr17:8,015,988, C>G. VCF-style: chr17-8015988-C-G. GRCh37 (hg19) VCF-style: chr17-7919306-C-G.
Other names: short protein forms Y1035*.
Identifiers: ClinVar variation 1075556 (VCV001075556.5), dbSNP rs1975964112, ClinGen allele CA397955752.